The following is an entry in ClinVar:

NM_001846.4(COL4A2):c.3896G>A (p.Gly1299Glu)

Genes: COL4A2 (collagen type IV alpha 2 chain; plus strand), COL4A2-AS1 (COL4A2 antisense RNA 1; minus strand). Cytogenetic location: 13q34.
Variant type: single nucleotide variant.
Coding change: c.3896G>A on transcript NM_001846.4 (MANE Select); coding-DNA position 3896, G replaced by A.
Protein change: p.Gly1299Glu; replaces glycine 1299 with glutamic acid.
Molecular consequence: missense variant.
Genome position (GRCh38, 1-based): chr13:110,503,139, G>A. VCF-style: chr13-110503139-G-A. GRCh37 (hg19) VCF-style: chr13-111155486-G-A.
Other names: short protein forms G1299E.
Identifiers: ClinVar variation 1343253 (VCV001343253.1), dbSNP rs2139552061, ClinGen allele CA388735888.

ClinVar aggregate classification (germline): Uncertain significance (1 of 4 stars; one submission).

Conditions:
Brain small vessel disease 2A, autosomal dominant. Also called: Porencephaly 2. Identifiers: Orphanet 2940, Orphanet 99810, MedGen C3280970, MONDO:0013773, OMIM 614483.

Submission:

Institute of Human Genetics, Clinical Exome/Genome Diagnostics Group, University Hospital Bonn
Classification: Uncertain significance for Brain small vessel disease 2A, autosomal dominant. Last evaluated: 2021-10-29. Review status: criteria provided, single submitter. Criteria: ACMG Guidelines, 2015. Collection method: clinical testing. Allele origin: inherited. Affected: yes.
Comment: PM2, PP3